The following is an entry in ClinVar:

ClinVar aggregate classification (germline): Pathogenic. Review status: criteria provided, multiple submitters, no conflicts (2 of 4 stars). 2 submissions from 2 submitters: Pathogenic (2). Last evaluated 2020-10-28.

Conditions:
Cardiac arrhythmia. Also called: Cardiac rhythm disease; Arrhythmia. Identifiers: MedGen C0003811, MONDO:0007263, HP:0011675.
Long QT syndrome (LQTS). Identifiers: MedGen C0023976, MeSH D008133, MONDO:0002442. Disease mechanism: loss of function. Inheritance: Various modes of inheritance.

Submissions (2):

Labcorp Genetics (formerly Invitae), Labcorp
Classification: Pathogenic for Long QT syndrome. Last evaluated: 2020-10-28. Review status: criteria provided, single submitter. Criteria: Invitae Variant Classification Sherloc (09022015). Collection method: clinical testing. Allele origin: germline.
Comment: This variant is not present in population databases (ExAC no frequency). This sequence change creates a premature translational stop signal (p.Cys52Alafs*8) in the KCNH2 gene. It is expected to result in an absent or disrupted protein product. For these reasons, this variant has been classified as Pathogenic. Loss-of-function variants in KCNH2 are known to be pathogenic (PMID: 10973849, 19862833). This variant has not been reported in the literature in individuals with KCNH2-related conditions. ClinVar contains an entry for this variant (Variation ID: 200809).

GeneDx
Classification: Pathogenic for Cardiac arrhythmia. Last evaluated: 2012-02-17. Review status: criteria provided, single submitter. Criteria: GeneDx Variant Classification (06012015). Collection method: clinical testing. Allele origin: germline. Affected: yes.
Comment: The c.154delT mutation in the KCNH2 gene has not been reported previously, this mutation causes a shift in reading frame starting at codon Cysteine 52, changing it to an Alanine, and creates a premature stop codon at position 8 of the new reading frame, denoted p.Cys52AlafsX8. This mutation is expected to result either in an abnormal, truncated protein product or loss of protein from this alleles through nonsense-mediated mRNA decay. Other frameshift mutations in the KCNH2 gene have been reported in association with LQTS. The variant is found in LQT panel(s).

Literature cited by the submitters: PubMed 10973849 (cited by Labcorp Genetics (formerly Invitae), Labcorp); PubMed 19862833 (cited by Labcorp Genetics (formerly Invitae), Labcorp).

NM_000238.4(KCNH2):c.154del (p.Cys52fs)

Gene: KCNH2 (potassium voltage-gated channel subfamily H member 2; minus strand). Cytogenetic location: 7q36.1.
Variant type: Deletion.
Coding change: c.154del on transcript NM_000238.4 (MANE Select); coding-DNA position 154, one base deleted (T; older notation c.154delT).
Protein change: p.Cys52fs; shifts the reading frame from cysteine 52.
Molecular consequence: frameshift variant.
Genome position (GRCh38, 1-based): chr7:150,974,864, A deleted on the plus strand (T on the coding strand, the reverse complement: KCNH2 is on the minus strand). VCF-style (leftmost placement, unchanged base first): chr7-150974863-CA-C. GRCh37 (hg19) VCF-style: chr7-150671951-CA-C.
Other names: c.-24delT (NM_001406755.1); c.154delT, p.Cys52Alafs (NM_172056.3); short protein forms C52fs.
Identifiers: ClinVar variation 200809 (VCV000200809.10), dbSNP rs794728508, ClinGen allele CA004782.